The following is an entry in ClinVar:

ClinVar aggregate classification (germline): Uncertain significance (1 of 4 stars; one submission).

gnomAD v4.1: 1 of 1,613,806 alleles (0.000062%); highest among the groups gnomAD compares: Non-Finnish European, 0.000085%; no homozygotes.

Submission:

GeneDx
Classification: Uncertain significance. Last evaluated: 2025-02-26. Review status: criteria provided, single submitter. Criteria: GeneDx Variant Classification Process June 2021. Collection method: clinical testing. Allele origin: germline. Affected: yes.
Comment: Not observed at significant frequency in large population cohorts (gnomAD); In silico analysis indicates that this missense variant does not alter protein structure/function; Has not been previously published as pathogenic or benign to our knowledge

NM_015021.3(ZNF292):c.2272A>G (p.Lys758Glu)

Gene: ZNF292 (zinc finger protein 292; plus strand). Cytogenetic location: 6q14.3.
Variant type: single nucleotide variant.
Coding change: c.2272A>G on transcript NM_015021.3 (MANE Select); coding-DNA position 2272, A replaced by G.
Protein change: p.Lys758Glu; replaces lysine 758 with glutamic acid.
Molecular consequence: missense variant.
Genome position (GRCh38, 1-based): chr6:87,255,901, A>G. VCF-style: chr6-87255901-A-G. GRCh37 (hg19) VCF-style: chr6-87965619-A-G.
Other names: c.1852A>G, p.Lys618Glu (NM_001351444.2); short protein forms K618E, K758E.
Identifiers: ClinVar variation 4077274 (VCV004077274.1).
Genomic context (GRCh38, chr6:87,255,901, plus strand): 5'-AATGATCACTTACAGATGCACTGTGGCAGTAAACCATATATCTGTATACAGATGAAATGT[A>G]AAGCTGGTTTTAATAGTTACGCCGAGCTTTTAACCCACCGAAAGGAGCATCAAGTCTTTA-3'
Protein context (NP_055836.1, residues 748-768): KPYICIQMKC[Lys758Glu]AGFNSYAELL